The following is an entry in ClinVar:

ClinVar aggregate classification (germline): Uncertain significance (1 of 4 stars; one submission).

gnomAD v4.1: 1 of 1,614,070 alleles (0.000062%); no homozygotes.

Submission:

GeneDx
Classification: Uncertain significance. Last evaluated: 2025-05-24. Review status: criteria provided, single submitter. Criteria: GeneDx Variant Classification Process June 2021. Collection method: clinical testing. Allele origin: germline.
Comment: Not observed at significant frequency in large population cohorts (gnomAD); In silico analysis supports that this missense variant has a deleterious effect on protein structure/function; Has not been previously published as pathogenic or benign to our knowledge

NM_005639.3(SYT1):c.1123G>A (p.Gly375Ser)

Gene: SYT1 (synaptotagmin 1; plus strand). Cytogenetic location: 12q21.2.
Variant type: single nucleotide variant.
Coding change: c.1123G>A on transcript NM_005639.3 (MANE Select); coding-DNA position 1123, G replaced by A.
Protein change: p.Gly375Ser; replaces glycine 375 with serine.
Molecular consequence: missense variant.
Genome position (GRCh38, 1-based): chr12:79,448,978, G>A. VCF-style: chr12-79448978-G-A. GRCh37 (hg19) VCF-style: chr12-79842758-G-A.
Other names: c.1123G>A, p.Gly375Ser (NM_001135805.2, NM_001135806.2, NM_001415938.1 and 2 more transcripts); c.1114G>A, p.Gly372Ser (NM_001291901.2, NM_001415941.1, NM_001415942.1 and 1 more transcripts); short protein forms G372S, G375S.
Identifiers: ClinVar variation 3573842 (VCV003573842.2).
Genomic context (GRCh38, chr12:79,448,978, plus strand): 5'-AAAGTGCAGGTGGTGGTAACTGTTTTGGACTATGACAAGATTGGCAAGAACGATGCCATC[G>A]GCAAAGTCTTTGTGGGCTACAACAGCACCGGCGCGGAGCTGCGACACTGGTCAGACATGC-3'
Protein context (NP_005630.1, residues 365-385): YDKIGKNDAI[Gly375Ser]KVFVGYNSTG